The following is an entry in ClinVar:

NM_138694.4(PKHD1):c.4835C>A (p.Thr1612Asn)

Genes: PKHD1 (PKHD1 ciliary IPT domain containing fibrocystin/polyductin; minus strand), LOC126859690 (MED14-independent group 3 enhancer GRCh37_chr6:51888848-51890047; plus strand). Cytogenetic location: 6p12.2.
Variant type: single nucleotide variant.
Coding change: c.4835C>A on transcript NM_138694.4 (MANE Select); coding-DNA position 4835, C replaced by A.
Protein change: p.Thr1612Asn; replaces threonine 1612 with asparagine.
Molecular consequence: missense variant.
Genome position (GRCh38, 1-based): chr6:52,024,975, G>T on the plus strand (C>A on the coding strand, the complement: PKHD1 is on the minus strand). VCF-style: chr6-52024975-G-T. GRCh37 (hg19) VCF-style: chr6-51889773-G-T.
Other names: c.4835C>A, p.Thr1612Asn (NM_170724.3); c.4835C>A (NM_138694.3); short protein forms T1612N.
Identifiers: ClinVar variation 1394109 (VCV001394109.4), dbSNP rs754964877, ClinGen allele CA3852662.

ClinVar aggregate classification (germline): Uncertain significance. Review status: criteria provided, single submitter (1 of 4 stars). 2 submissions from 2 submitters: Uncertain significance (1). 1 of the submissions does not count toward it. Last evaluated 2021-12-01.

Conditions:
PKHD1-related disorder. Also called: PKHD1-related condition.
Autosomal recessive polycystic kidney disease (ARPKD). Also called: AR polycystic kidney disease. Identifiers: Orphanet 731, Orphanet 8378, MedGen C0085548, MeSH D017044, MONDO:0009889.

Allele frequency attached by ClinVar (database versions not stated): gnomAD exomes 0.00001 and 0.00002; ExAC 0.00002; gnomAD 0.00004; TOPMed 0.00004.
gnomAD v4.1: 16 of 1,614,124 alleles (0.00099%); highest among the groups gnomAD compares: Admixed American, 0.012%; no homozygotes.

Submissions (2):

Labcorp Genetics (formerly Invitae), Labcorp
Classification: Uncertain significance for Autosomal recessive polycystic kidney disease. Last evaluated: 2021-12-01. Review status: criteria provided, single submitter. Criteria: Invitae Variant Classification Sherloc (09022015). Collection method: clinical testing. Allele origin: germline.
Comment: This sequence change replaces threonine, which is neutral and polar, with asparagine, which is neutral and polar, at codon 1612 of the PKHD1 protein (p.Thr1612Asn). This variant is present in population databases (rs754964877, gnomAD 0.01%). This variant has not been reported in the literature in individuals affected with PKHD1-related conditions. Advanced modeling of protein sequence and biophysical properties (such as structural, functional, and spatial information, amino acid conservation, physicochemical variation, residue mobility, and thermodynamic stability) performed at Invitae indicates that this missense variant is not expected to disrupt PKHD1 protein function. In summary, the available evidence is currently insufficient to determine the role of this variant in disease. Therefore, it has been classified as a Variant of Uncertain Significance.

PreventionGenetics, part of Exact Sciences
Classification: Uncertain significance for PKHD1-related condition. Last evaluated: 2024-05-21. Review status: no assertion criteria provided. Collection method: clinical testing. Allele origin: germline. Not counted in ClinVar's aggregate classification.
Comment: The PKHD1 c.4835C>A variant is predicted to result in the amino acid substitution p.Thr1612Asn. To our knowledge, this variant has not been reported in the literature. This variant is reported in 0.012% of alleles in individuals of Latino descent in gnomAD. At this time, the clinical significance of this variant is uncertain due to the absence of conclusive functional and genetic evidence.